The following is an entry in ClinVar:

NM_000142.5(FGFR3):c.551C>T (p.Pro184Leu)

Gene: FGFR3 (fibroblast growth factor receptor 3; plus strand). Cytogenetic location: 4p16.3.
Variant type: single nucleotide variant.
Coding change: c.551C>T on transcript NM_000142.5 (MANE Select); coding-DNA position 551, C replaced by T.
Protein change: p.Pro184Leu; replaces proline 184 with leucine.
Molecular consequence: missense variant. On other transcripts: non-coding transcript variant (1).
Genome position (GRCh38, 1-based): chr4:1,801,472, C>T. VCF-style: chr4-1801472-C-T. GRCh37 (hg19) VCF-style: chr4-1803199-C-T.
Other names: c.551C>T, p.Pro184Leu (NM_001163213.2, NM_001354809.2, NM_001354810.2 and 1 more transcripts); short protein forms P184L.
Identifiers: ClinVar variation 4802671 (VCV004802671.1).

ClinVar aggregate classification (germline): Uncertain significance (1 of 4 stars; one submission).

Submission:

Labcorp Genetics (formerly Invitae), Labcorp
Classification: Uncertain significance. Last evaluated: 2025-11-18. Review status: criteria provided, single submitter. Criteria: Invitae Variant Classification Sherloc (09022015). Collection method: clinical testing. Allele origin: germline.
Comment: This sequence change replaces proline, which is neutral and non-polar, with leucine, which is neutral and non-polar, at codon 184 of the FGFR3 protein (p.Pro184Leu). This variant is not present in population databases (gnomAD no frequency). This variant has not been reported in the literature in individuals affected with FGFR3-related conditions. Invitae Evidence Modeling of protein sequence and biophysical properties (such as structural, functional, and spatial information, amino acid conservation, physicochemical variation, residue mobility, and thermodynamic stability) has been performed for this missense variant. However, the output from this modeling did not meet the statistical confidence thresholds required to predict the impact of this variant on FGFR3 protein function. In summary, the available evidence is currently insufficient to determine the role of this variant in disease. Therefore, it has been classified as a Variant of Uncertain Significance.